The following is an entry in ClinVar:

ClinVar aggregate classification (germline): Pathogenic. Review status: criteria provided, multiple submitters, no conflicts (2 of 4 stars). 6 submissions from 6 submitters: Pathogenic (6). Last evaluated 2024-11-25.

Conditions:
Pfeiffer syndrome (ACS5). Also called: ACS V. Identifiers: Orphanet 710, MedGen C0220658, MONDO:0007043, OMIM 101600.
Hypogonadotropic hypogonadism 2 with or without anosmia (HH2). Also called: HYPOGONADOTROPIC HYPOGONADISM 2 WITHOUT ANOSMIA; HYPOGONADOTROPIC HYPOGONADISM 2 WITH OR WITHOUT ANOSMIA, SUSCEPTIBILITY TO; HYPOGONADOTROPIC HYPOGONADISM 2 WITHOUT ANOSMIA, SUSCEPTIBILITY TO; FGFR1-Related GnRH Deficiency (Kallmann Syndrome 2). Identifiers: Orphanet 478, MedGen C1563720, MONDO:0007844, OMIM 147950. Disease mechanism: loss of function.
FGFR1-related disorder. Also called: FGFR1-related condition; FGFR1-related disorders. Identifiers: MedGen CN380097.

Submissions (6):

Blueprint Genetics
Classification: Pathogenic for FGFR1-related disorders. Last evaluated: 2024-11-25. Review status: criteria provided, single submitter. Criteria: ACMG Guidelines, 2015. Collection method: clinical testing. Allele origin: germline. Affected: yes. Observed: 2 variant alleles.

Labcorp Genetics (formerly Invitae), Labcorp
Classification: Pathogenic for Pfeiffer syndrome; Hypogonadotropic hypogonadism 2 with or without anosmia. Last evaluated: 2024-03-09. Review status: criteria provided, single submitter. Criteria: Invitae Variant Classification Sherloc (09022015). Collection method: clinical testing. Allele origin: germline.
Comment: This sequence change creates a premature translational stop signal (p.Glu84Glyfs*26) in the FGFR1 gene. It is expected to result in an absent or disrupted protein product. Loss-of-function variants in FGFR1 are known to be pathogenic (PMID: 12627230). This variant is not present in population databases (gnomAD no frequency). This premature translational stop signal has been observed in individual(s) with gonadotropin-releasing hormone deficiency (PMID: 21209029). ClinVar contains an entry for this variant (Variation ID: 1801171). For these reasons, this variant has been classified as Pathogenic.

Reproductive Endocrine Unit, Massachusetts General Hospital
Classification: Pathogenic for Hypogonadotropic hypogonadism 2 with or without anosmia. Last evaluated: 2023-05-04. Review status: criteria provided, single submitter. Criteria: ACMG Guidelines, 2015. Collection method: research. Allele origin: unknown. Affected: yes. Observed: 1 variant allele.
Comment: The variant NM_023110.2:c.246_247del, p.(Glu84Glyfs*26) het has been classified as P1c based on the variant meeting the following ACMG Criteria: PVS1,PM2,PP3.

Baylor Genetics
Classification: Pathogenic for Hypogonadotropic hypogonadism 2 with or without anosmia. Last evaluated: 2023-04-19. Review status: criteria provided, single submitter. Criteria: ACMG Guidelines, 2015. Collection method: clinical testing. Allele origin: unknown.

GeneDx
Classification: Pathogenic. Last evaluated: 2022-05-26. Review status: criteria provided, single submitter. Criteria: GeneDx Variant Classification Process June 2021. Collection method: clinical testing. Allele origin: germline. Affected: yes.
Comment: Frameshift variant predicted to result in protein truncation or nonsense mediated decay in a gene for which loss of function is a known mechanism of disease; Not observed at significant frequency in large population cohorts (gnomAD); This variant is associated with the following publications: (PMID: 21209029, 24776628, 25077900)

Institute for Medical Genetics and Human Genetics, Charité - Universitätsmedizin Berlin
Classification: Pathogenic. Review status: criteria provided, single submitter. Criteria: ACMG Guidelines, 2015. Collection method: not provided. Allele origin: germline. Inheritance: Autosomal dominant inheritance. Affected: yes.

Literature cited by the submitters: PubMed 12627230 (cited by Labcorp Genetics (formerly Invitae), Labcorp); PubMed 21209029 (cited by Labcorp Genetics (formerly Invitae), Labcorp).

NM_023110.3(FGFR1):c.246_247del (p.Glu84fs)

Gene: FGFR1 (fibroblast growth factor receptor 1; minus strand). Cytogenetic location: 8p11.23.
Variant type: Deletion.
Coding change: c.246_247del on transcript NM_023110.3 (MANE Select); coding-DNA positions 246 to 247, 2 bases deleted (AG; older notation c.246_247delAG).
Protein change: p.Glu84fs; shifts the reading frame from glutamic acid 84.
Molecular consequence: frameshift variant. On other transcripts: intron variant (5).
Genome position (GRCh38, 1-based): chr8:38,429,793-38,429,794, CT deleted on the plus strand (AG on the coding strand, the reverse complement: FGFR1 is on the minus strand). VCF-style (leftmost placement, unchanged base first): chr8-38429792-CCT-C. GRCh37 (hg19) VCF-style: chr8-38287310-CCT-C.
Other names: c.246_247delAG, p.Glu84Glyfs (NM_000604.2, NM_001410922.1, NM_023110.2); c.246_247del, p.Glu84fs (NM_001174063.2, NM_001174065.2, NM_001354367.2 and 2 more transcripts); c.222_223del, p.Glu76fs (NM_001174064.2); c.345_346del, p.Glu117fs (NM_001174067.2); c.92-1359_92-1358del (NM_001354368.2, NM_001354370.2, NM_023106.3 and 2 more transcripts); short protein forms E117fs, E76fs, E84fs.
Identifiers: ClinVar variation 1801171 (VCV001801171.8), dbSNP rs2537263906, ClinGen allele CA2580078252.
Genomic context (GRCh38, chr8:38,429,792, plus strand): 5'-GTTACGCAAGCATAGAGGCCGGAGTCTGCGGGCACGGAGTCCTGCACCTCCACCTCCTCC[CCT>C]GTGATGCGGGTGCGGTTGCTTTCCGCCAGCTGCACCCCGTCCCGCAGCCAGTTGATGCTC-3'